The following is an entry in ClinVar:

ClinVar aggregate classification (germline): Uncertain significance (1 of 4 stars; one submission).

Conditions:
Facioscapulohumeral muscular dystrophy 2 (FSHD2). Also called: MUSCULAR DYSTROPHY, FACIOSCAPULOHUMERAL, TYPE 1B; FACIOSCAPULOHUMERAL MUSCULAR DYSTROPHY 2, DIGENIC; FSHD2, DIGENIC. Identifiers: Orphanet 269, MedGen C1834671, MONDO:0008031, OMIM 158901.

Submission:

Labcorp Genetics (formerly Invitae), Labcorp
Classification: Uncertain significance for Facioscapulohumeral muscular dystrophy 2. Last evaluated: 2018-06-20. Review status: criteria provided, single submitter. Criteria: Invitae Variant Classification Sherloc (09022015). Collection method: clinical testing. Allele origin: germline.
Comment: This variant results in a copy number gain of the genomic region encompassing exon 1 of the SMCHD1 gene. The 5' end of this event is unknown as it extends beyond the assayed region for this gene and therefore may encompass additional genes. The 3' boundary is likely confined to intron 1 of the SMCHD1 gene. As the precise location of this event is unknown, it may be in tandem or it may be located elsewhere in the genome. This variant has not been reported in the literature in individuals with SMCHD1-related disease. In summary, the available evidence is currently insufficient to determine the role of this variant in disease. Therefore, it has been classified as a Variant of Uncertain Significance.

NC_000018.9:g.(?_2656055)_(2656280_?)dup

Genes: SMCHD1 (structural maintenance of chromosomes flexible hinge domain containing 1; plus strand), LOC130062084 (ATAC-STARR-seq lymphoblastoid silent region 9247; plus strand). Cytogenetic location: 18p11.32.
Variant type: Duplication.
Identifiers: ClinVar variation 584363 (VCV000584363.3).